The following is an entry in ClinVar:

ClinVar aggregate classification (germline): Uncertain significance (1 of 4 stars; one submission).

Conditions:
Primary ciliary dyskinesia. Also called: Ciliary dyskinesia. Identifiers: Orphanet 244, MedGen C0008780, MONDO:0016575, HP:0012265.

gnomAD v4.1: 1 of 1,613,568 alleles (0.000062%); highest among the groups gnomAD compares: Non-Finnish European, 0.000085%; no homozygotes.

Submission:

Labcorp Genetics (formerly Invitae), Labcorp
Classification: Uncertain significance for Primary ciliary dyskinesia. Last evaluated: 2022-07-05. Review status: criteria provided, single submitter. Criteria: Invitae Variant Classification Sherloc (09022015). Collection method: clinical testing. Allele origin: germline.
Comment: In summary, the available evidence is currently insufficient to determine the role of this variant in disease. Therefore, it has been classified as a Variant of Uncertain Significance. Advanced modeling of protein sequence and biophysical properties (such as structural, functional, and spatial information, amino acid conservation, physicochemical variation, residue mobility, and thermodynamic stability) performed at Invitae indicates that this missense variant is not expected to disrupt DNAH5 protein function. ClinVar contains an entry for this variant (Variation ID: 1507916). This variant has not been reported in the literature in individuals affected with DNAH5-related conditions. This variant is not present in population databases (gnomAD no frequency). This sequence change replaces proline, which is neutral and non-polar, with threonine, which is neutral and polar, at codon 2220 of the DNAH5 protein (p.Pro2220Thr).

NM_001369.3(DNAH5):c.6658C>A (p.Pro2220Thr)

Gene: DNAH5 (dynein axonemal heavy chain 5; minus strand). Cytogenetic location: 5p15.2.
Variant type: single nucleotide variant.
Coding change: c.6658C>A on transcript NM_001369.3 (MANE Select); coding-DNA position 6658, C replaced by A.
Protein change: p.Pro2220Thr; replaces proline 2220 with threonine.
Molecular consequence: missense variant.
Genome position (GRCh38, 1-based): chr5:13,823,292, G>T on the plus strand (C>A on the coding strand, the complement: DNAH5 is on the minus strand). VCF-style: chr5-13823292-G-T. GRCh37 (hg19) VCF-style: chr5-13823401-G-T.
Other names: short protein forms P2220T.
Identifiers: ClinVar variation 1507916 (VCV001507916.6), dbSNP rs2151821296, ClinGen allele CA359195653.